The following is an entry in ClinVar:

ClinVar aggregate classification (germline): Uncertain significance (0 of 4 stars; one submission).

Conditions:
MED12L-related disorder. Also called: MED12L-related condition.

Allele frequency attached by ClinVar (database versions not stated): gnomAD 0.00001.

Submission:

PreventionGenetics, part of Exact Sciences
Classification: Uncertain significance for MED12L-related condition. Last evaluated: 2024-02-14. Review status: no assertion criteria provided. Collection method: clinical testing. Allele origin: germline.
Comment: The MED12L c.5151G>A variant is predicted to result in the amino acid substitution p.Met1717Ile. To our knowledge, this variant has not been reported in the literature or in a large population database, indicating this variant is rare. At this time, the clinical significance of this variant is uncertain due to the absence of conclusive functional and genetic evidence.

NM_001393769.1(MED12L):c.5256G>A (p.Met1752Ile)

Gene: MED12L (mediator complex subunit 12L; plus strand). Cytogenetic location: 3q25.1.
Variant type: single nucleotide variant.
Coding change: c.5256G>A on transcript NM_001393769.1 (MANE Select); coding-DNA position 5256, G replaced by A.
Protein change: p.Met1752Ile; replaces methionine 1752 with isoleucine.
Molecular consequence: missense variant.
Genome position (GRCh38, 1-based): chr3:151,387,977, G>A. VCF-style: chr3-151387977-G-A. GRCh37 (hg19) VCF-style: chr3-151105765-G-A.
Other names: c.5151G>A, p.Met1717Ile (NM_053002.6); short protein forms M1717I, M1752I.
Identifiers: ClinVar variation 3030161 (VCV003030161.2), dbSNP rs1713678593, ClinGen allele CA354977117.
Genomic context (GRCh38, chr3:151,387,977, plus strand): 5'-CCGAAGAGTGATCAAGTACGAGGAGCAGCATCACCTCCTGCTGTATCACACACACCCCAT[G>A]CCCAAGCCCCGCAGTTACTACCTCCAGCCACTGCCCCTGCCTCCTGAGGAGGAAGAGGAA-3'
Protein context (NP_001380698.1, residues 1742-1762): HHLLLYHTHP[Met1752Ile]PKPRSYYLQP